The following is an entry in ClinVar:

NM_000384.3(APOB):c.7376T>A (p.Leu2459Gln)

Gene: APOB (apolipoprotein B; minus strand). Cytogenetic location: 2p24.1.
Variant type: single nucleotide variant.
Coding change: c.7376T>A on transcript NM_000384.3 (MANE Select); coding-DNA position 7376, T replaced by A.
Protein change: p.Leu2459Gln; replaces leucine 2459 with glutamine.
Molecular consequence: missense variant.
Genome position (GRCh38, 1-based): chr2:21,009,492, A>T on the plus strand (T>A on the coding strand, the complement: APOB is on the minus strand). VCF-style: chr2-21009492-A-T. GRCh37 (hg19) VCF-style: chr2-21232364-A-T.
Other names: short protein forms L2459Q.
Identifiers: ClinVar variation 2451329 (VCV002451329.2), dbSNP rs2465369086, ClinGen allele CA345997291.

ClinVar aggregate classification (germline): Uncertain significance (1 of 4 stars; one submission).

Conditions:
Cardiovascular phenotype. Identifiers: MedGen CN230736.

Submission:

Ambry Genetics
Classification: Uncertain significance for Cardiovascular phenotype. Last evaluated: 2023-02-12. Review status: criteria provided, single submitter. Criteria: Ambry Variant Classification Scheme 2023. Collection method: clinical testing. Allele origin: germline.
Comment: The p.L2459Q variant (also known as c.7376T>A), located in coding exon 26 of the APOB gene, results from a T to A substitution at nucleotide position 7376. The leucine at codon 2459 is replaced by glutamine, an amino acid with dissimilar properties. This amino acid position is conserved. In addition, this alteration is predicted to be tolerated by in silico analysis. Since supporting evidence is limited at this time, the clinical significance of this alteration remains unclear.